The following is an entry in ClinVar:

NM_022168.4(IFIH1):c.2836G>A (p.Ala946Thr)

Gene: IFIH1 (interferon induced with helicase C domain 1; minus strand). Cytogenetic location: 2q24.2.
Variant type: single nucleotide variant.
Coding change: c.2836G>A on transcript NM_022168.4 (MANE Select); coding-DNA position 2836, G replaced by A.
Protein change: p.Ala946Thr; replaces alanine 946 with threonine.
Molecular consequence: missense variant.
Genome position (GRCh38, 1-based): chr2:162,267,541, C>T on the plus strand (G>A on the coding strand, the complement: IFIH1 is on the minus strand). VCF-style: chr2-162267541-C-T. GRCh37 (hg19) VCF-style: chr2-163124051-C-T.
Other names: c.2836G>A, p.Ala946Thr (LRG_1235t1); short protein forms A946T.
Identifiers: ClinVar variation 261566 (VCV000261566.22), dbSNP rs1990760, ClinGen allele CA1934058.

ClinVar aggregate classification (germline): Benign/Likely benign. Review status: criteria provided, multiple submitters, no conflicts (2 of 4 stars). 10 submissions from 9 submitters: Benign (9); Likely benign (1). Last evaluated 2026-02-04.

Conditions:
Aicardi-Goutieres syndrome 7 (AGS7). Identifiers: Orphanet 51, MedGen C3888244, MONDO:0014367, OMIM 615846.
Singleton-Merten syndrome 1 (SGMRT1). Also called: Widened medullary cavities of bone, aortic calcification, abnormal dentition, and muscular weakness; Syndrome of widened medullary cavities of the metacarpals and phalanges, aortic calcification and abnormal dentition. Identifiers: Orphanet 85191, MedGen C4225427, MONDO:0024535, OMIM 182250.

Allele frequency attached by ClinVar (database versions not stated): 1000 Genomes Project 30x 0.35290; 1000 Genomes Project 0.35663; TOPMed 0.42403; gnomAD 0.44895 and 0.45038; ESP Exome Variant Server 0.46140; gnomAD exomes 0.50160 and 0.57111; ExAC 0.50471.
gnomAD v4.1: 898,693 of 1,609,886 alleles (56%); highest among the groups gnomAD compares: Non-Finnish European, 61%; 262,583 homozygotes.

Submissions (10):

Labcorp Genetics (formerly Invitae), Labcorp
Classification: Benign for Aicardi-Goutieres syndrome 7; Singleton-Merten syndrome 1. Last evaluated: 2026-02-04. Review status: criteria provided, single submitter. Criteria: Invitae Variant Classification Sherloc (09022015). Collection method: clinical testing. Allele origin: germline.

Women's Health and Genetics/Laboratory Corporation of America, LabCorp
Classification: Benign. Last evaluated: 2026-01-21. Review status: criteria provided, single submitter. Criteria: LabCorp Variant Classification Summary - May 2015. Collection method: clinical testing. Allele origin: germline.

Blueprint Genetics
Classification: Likely benign. Last evaluated: 2024-11-26. Review status: criteria provided, single submitter. Criteria: ACMG Guidelines, 2015. Collection method: clinical testing. Allele origin: germline.

Unidad de Genómica Garrahan, Hospital de Pediatría Garrahan
Classification: Benign. Last evaluated: 2023-11-12. Review status: criteria provided, single submitter. Criteria: ACMG Guidelines, 2015. Collection method: clinical testing. Allele origin: germline. Affected: no. Observed: 57 variant alleles.
Comment: This variant is classified as Benign based on local population frequency. This variant was detected in 59% of patients studied by a panel of primary immunodeficiencies. Number of patients: 57. Only high quality variants are reported.

Mayo Clinic Laboratories, Mayo Clinic
Classification: Benign. Last evaluated: 2023-07-21. Review status: criteria provided, single submitter. Criteria: ACMG Guidelines, 2015. Collection method: clinical testing. Allele origin: germline. Observed: 647 variant alleles.
Comment: BA1, BS2, BP4

Genome-Nilou Lab
Classification: Benign for Aicardi-Goutieres syndrome 7. Last evaluated: 2021-08-10. Review status: criteria provided, single submitter. Criteria: ACMG Guidelines, 2015. Collection method: clinical testing. Allele origin: germline. Affected: no.

Genome-Nilou Lab
Classification: Benign for Singleton-Merten syndrome 1. Last evaluated: 2021-08-10. Review status: criteria provided, single submitter. Criteria: ACMG Guidelines, 2015. Collection method: clinical testing. Allele origin: germline. Affected: no.

GeneDx
Classification: Benign. Last evaluated: 2018-11-12. Review status: criteria provided, single submitter. Criteria: GeneDx Variant Classification Process June 2021. Collection method: clinical testing. Allele origin: germline. Affected: yes.
Comment: This variant is associated with the following publications: (PMID: 31866997, 22561518, 28553952, 28973304, 23441136, 27720759, 28000722, 23734776, 16699517, 24386202, 20644636, 20694011, 20467774, 17535987, 19324880, 21705624, 19539001, 18927125, 19841890, 24117221, 24995871)

Breakthrough Genomics
Classification: Benign. Review status: criteria provided, single submitter. Criteria: ACMG Guidelines, 2015. Collection method: not provided. Allele origin: germline. Inheritance: Autosomal recessive inheritance. Affected: yes.

PreventionGenetics, part of Exact Sciences
Classification: Benign. Review status: criteria provided, single submitter. Criteria: ACMG Guidelines, 2015. Collection method: clinical testing. Allele origin: germline.